The following is an entry in ClinVar:

ClinVar aggregate classification (germline): Likely benign. Review status: criteria provided, multiple submitters, no conflicts (2 of 4 stars). 2 submissions from 2 submitters: Likely benign (2). Last evaluated 2024-06-19.

Conditions:
Familial cancer of breast. Also called: BREAST CANCER, FAMILIAL; Hereditary breast cancer; hereditary breast carcinoma. Identifiers: Orphanet 227535, MedGen C0346153, MONDO:0016419, OMIM 114480. Disease mechanism: loss of function.
Hereditary cancer-predisposing syndrome. Also called: Tumor predisposition; Neoplastic Syndromes, Hereditary; Hereditary Cancer Syndrome; Hereditary neoplastic syndrome. Identifiers: Orphanet 140162, MedGen C0027672, MeSH D009386, MONDO:0015356.

gnomAD v4.1: 1 of 1,567,486 alleles (0.000064%); highest among the groups gnomAD compares: Non-Finnish European, 0.000087%; no homozygotes.

Submissions (2):

Myriad Genetics, Inc.
Classification: Likely benign for Familial cancer of breast. Last evaluated: 2024-06-19. Review status: criteria provided, single submitter. Criteria: Myriad Autosomal Dominant, Autosomal Recessive and X-Linked Classification Criteria (2023). Collection method: clinical testing. Allele origin: unknown.
Comment: This variant is considered likely benign. This variant is intronic and is not expected to impact mRNA splicing.

Color Diagnostics, LLC DBA Color Health
Classification: Likely benign for Hereditary cancer-predisposing syndrome. Last evaluated: 2023-12-05. Review status: criteria provided, single submitter. Criteria: ACMG Guidelines, 2015. Collection method: clinical testing. Allele origin: germline.

NM_000051.4(ATM):c.8419-10C>T

Genes: ATM (ATM serine/threonine kinase; plus strand), C11orf65 (chromosome 11 open reading frame 65; minus strand). Cytogenetic location: 11q22.3.
Variant type: single nucleotide variant.
Coding change: c.8419-10C>T on transcript NM_000051.4 (MANE Select); 10 bases into the intron before coding-DNA position 8419, C replaced by T.
Molecular consequence: intron variant.
Genome position (GRCh38, 1-based): chr11:108,345,733, C>T. VCF-style: chr11-108345733-C-T. GRCh37 (hg19) VCF-style: chr11-108216460-C-T.
Other names: c.641-36662G>A (NM_001330368.2); c.695-10441G>A (NM_001351110.2); c.8419-10C>T (NM_001351834.2).
Identifiers: ClinVar variation 2774728 (VCV002774728.2), dbSNP rs2137022388, ClinGen allele CA2615861655.
Genomic context (GRCh38, chr11:108,345,733, plus strand): 5'-ATAAAAATGTGTATATTAGTTTAATTGAACACAATATTGAAAAATAATTATATATATTCT[C>T]TATTTAAAGGAGGTGCAAAAAAAGTCTTTTGAAGAGAAATATGAAGTCTTCATGGATGTT-3'